The following is an entry in ClinVar:

NM_002880.4(RAF1):c.643C>T (p.Arg215Cys)

Gene: RAF1 (Raf-1 proto-oncogene, serine/threonine kinase; minus strand). Cytogenetic location: 3p25.2.
Variant type: single nucleotide variant.
Coding change: c.643C>T on transcript NM_002880.4 (MANE Select); coding-DNA position 643, C replaced by T.
Protein change: p.Arg215Cys; replaces arginine 215 with cysteine.
Molecular consequence: missense variant. On other transcripts: non-coding transcript variant (3), intron variant (2).
Genome position (GRCh38, 1-based): chr3:12,606,238, G>A on the plus strand (C>T on the coding strand, the complement: RAF1 is on the minus strand). VCF-style: chr3-12606238-G-A. GRCh37 (hg19) VCF-style: chr3-12647737-G-A.
Other names: c.643C>T, p.Arg215Cys (NM_001354689.3, NM_001354690.3); c.400C>T, p.Arg134Cys (NM_001354691.3, NM_001354692.3, NM_001354694.3); c.339-1949C>T (NM_001354695.3); c.582-1949C>T (NM_001354693.3); short protein forms R215C, R134C.
Identifiers: ClinVar variation 1416032 (VCV001416032.6), dbSNP rs773051648, ClinGen allele CA2259717.
Genomic context (GRCh38, chr3:12,606,238, plus strand): 5'-AAAAGCTATAGGTAAAAAATTACCTAACAGGCATCCTGGAAACAGACTCTCGCATACGAC[G>A]CATAGTCAAAGAAGGTAGTGCTGGGACTCCACTATCACCAATAGTGGAATTTGGAAACAA-3'
Protein context (NP_002871.1, residues 205-225): GVPALPSLTM[Arg215Cys]RMRESVSRMP

ClinVar aggregate classification (germline): Uncertain significance (1 of 4 stars; one submission).

Conditions:
RASopathy. Also called: rasopathies; Noonan spectrum disorder. Identifiers: Orphanet 536391, MedGen C5555857, MONDO:0021060.

Submission:

Labcorp Genetics (formerly Invitae), Labcorp
Classification: Uncertain significance for RASopathy. Last evaluated: 2025-03-31. Review status: criteria provided, single submitter. Criteria: Invitae Variant Classification Sherloc (09022015). Collection method: clinical testing. Allele origin: germline.
Comment: This sequence change replaces arginine, which is basic and polar, with cysteine, which is neutral and slightly polar, at codon 215 of the RAF1 protein (p.Arg215Cys). The frequency data for this variant in the population databases is considered unreliable, as metrics indicate poor data quality at this position in the gnomAD database. This variant has not been reported in the literature in individuals affected with RAF1-related conditions. ClinVar contains an entry for this variant (Variation ID: 1416032). Invitae Evidence Modeling incorporating data from in vitro experimental studies (internal data) indicates that this missense variant is not expected to disrupt RAF1 function with a negative predictive value of 95%. In summary, the available evidence is currently insufficient to determine the role of this variant in disease. Therefore, it has been classified as a Variant of Uncertain Significance.